The following is an entry in ClinVar:

ClinVar aggregate classification (germline): Uncertain significance. Review status: criteria provided, multiple submitters, no conflicts (2 of 4 stars). 4 submissions from 4 submitters: Uncertain significance (4). Last evaluated 2025-12-08.

Conditions:
Inborn genetic diseases. Identifiers: MedGen C0950123, MeSH D030342.
Brain small vessel disease 2A, autosomal dominant. Also called: Porencephaly 2. Identifiers: Orphanet 2940, Orphanet 99810, MedGen C3280970, MONDO:0013773, OMIM 614483.

Allele frequency attached by ClinVar (database versions not stated): gnomAD exomes below 0.00001; ExAC 0.00001; gnomAD 0.00003; TOPMed 0.00003.
gnomAD v4.1: 27 of 1,573,802 alleles (0.0017%); highest among the groups gnomAD compares: Non-Finnish European, 0.0021%; no homozygotes.

Submissions (4):

Ambry Genetics
Classification: Uncertain significance for Inborn genetic diseases. Last evaluated: 2025-12-08. Review status: criteria provided, single submitter. Criteria: Ambry Variant Classification Scheme 2023. Collection method: clinical testing. Allele origin: germline.

Labcorp Genetics (formerly Invitae), Labcorp
Classification: Uncertain significance. Last evaluated: 2023-01-01. Review status: criteria provided, single submitter. Criteria: Invitae Variant Classification Sherloc (09022015). Collection method: clinical testing. Allele origin: germline.
Comment: This sequence change replaces glycine, which is neutral and non-polar, with alanine, which is neutral and non-polar, at codon 815 of the COL4A2 protein (p.Gly815Ala). This variant is present in population databases (rs780116763, gnomAD 0.007%). This variant has not been reported in the literature in individuals affected with COL4A2-related conditions. ClinVar contains an entry for this variant (Variation ID: 311148). Advanced modeling of protein sequence and biophysical properties (such as structural, functional, and spatial information, amino acid conservation, physicochemical variation, residue mobility, and thermodynamic stability) has been performed at Invitae for this missense variant, however the output from this modeling did not meet the statistical confidence thresholds required to predict the impact of this variant on COL4A2 protein function. In summary, the available evidence is currently insufficient to determine the role of this variant in disease. Therefore, it has been classified as a Variant of Uncertain Significance.

Revvity Omics, Revvity
Classification: Uncertain significance for Brain small vessel disease 2A, autosomal dominant. Last evaluated: 2022-11-18. Review status: criteria provided, single submitter. Criteria: ACMG Guidelines, 2015. Collection method: clinical testing. Allele origin: germline.

Illumina Laboratory Services, Illumina
Classification: Uncertain significance for Brain small vessel disease 2A, autosomal dominant. Last evaluated: 2018-01-13. Review status: criteria provided, single submitter. Criteria: ICSL Variant Classification Criteria 13 December 2019. Collection method: clinical testing. Allele origin: germline.

NM_001846.4(COL4A2):c.2444G>C (p.Gly815Ala)

Gene: COL4A2 (collagen type IV alpha 2 chain; plus strand). Cytogenetic location: 13q34.
Variant type: single nucleotide variant.
Coding change: c.2444G>C on transcript NM_001846.4 (MANE Select); coding-DNA position 2444, G replaced by C.
Protein change: p.Gly815Ala; replaces glycine 815 with alanine.
Molecular consequence: missense variant.
Genome position (GRCh38, 1-based): chr13:110,478,021, G>C. VCF-style: chr13-110478021-G-C. GRCh37 (hg19) VCF-style: chr13-111130368-G-C.
Other names: short protein forms G815A.
Identifiers: ClinVar variation 311148 (VCV000311148.12), dbSNP rs780116763, ClinGen allele CA7049924.